The following is an entry in ClinVar:

ClinVar aggregate classification (germline): Uncertain significance (1 of 4 stars; one submission).

Conditions:
GRIA4-related disorder. Also called: GRIA4-related condition.

Submission:

PreventionGenetics, part of Exact Sciences
Classification: Uncertain significance for GRIA4-related condition. Last evaluated: 2023-01-03. Review status: criteria provided, single submitter. Criteria: ACMG Guidelines, 2015. Collection method: clinical testing. Allele origin: germline.
Comment: The GRIA4 c.1186T>G variant is predicted to result in the amino acid substitution p.Leu396Val. To our knowledge, this variant has not been reported in the literature or in a large population database, indicating this variant is rare. At this time, the clinical significance of this variant is uncertain due to the absence of conclusive functional and genetic evidence.

NM_000829.4(GRIA4):c.1186T>G (p.Leu396Val)

Gene: GRIA4 (glutamate ionotropic receptor AMPA type subunit 4; plus strand). Cytogenetic location: 11q22.3.
Variant type: single nucleotide variant.
Coding change: c.1186T>G on transcript NM_000829.4 (MANE Select); coding-DNA position 1186, T replaced by G.
Protein change: p.Leu396Val; replaces leucine 396 with valine.
Molecular consequence: missense variant. On other transcripts: non-coding transcript variant (1).
Genome position (GRCh38, 1-based): chr11:105,910,462, T>G. VCF-style: chr11-105910462-T-G. GRCh37 (hg19) VCF-style: chr11-105781188-T-G.
Other names: c.1186T>G, p.Leu396Val (NM_001077243.3, NM_001077244.2, NM_001112812.2); short protein forms L396V.
Identifiers: ClinVar variation 2629800 (VCV002629800.1), dbSNP rs2497852358, ClinGen allele CA382304881.